The following is an entry in ClinVar:

ClinVar aggregate classification (germline): Uncertain significance. Review status: criteria provided, multiple submitters, no conflicts (2 of 4 stars). 2 submissions from 2 submitters: Uncertain significance (2). Last evaluated 2026-02-27.

Conditions:
NCOA1-related disorder. Also called: NCOA1-related condition.

gnomAD v4.1: 2 of 1,614,112 alleles (0.00012%); highest among the groups gnomAD compares: African/African-American, 0.0013%; no homozygotes.

Submissions (2):

PreventionGenetics, part of Exact Sciences
Classification: Uncertain significance for NCOA1-related condition. Last evaluated: 2026-02-27. Review status: criteria provided, single submitter. Criteria: ACMG Guidelines, 2015. Collection method: clinical testing. Allele origin: germline.
Comment: The NCOA1 c.1184C>G variant is predicted to result in the amino acid substitution p.Ser395Cys. To our knowledge, this variant has not been reported in the literature or in a large population database, indicating this variant is rare. At this time, the clinical significance of this variant is uncertain due to the absence of conclusive functional and genetic evidence.

Ambry Genetics
Classification: Uncertain significance. Last evaluated: 2025-06-22. Review status: criteria provided, single submitter. Criteria: Ambry Variant Classification Scheme 2023. Collection method: clinical testing. Allele origin: germline.

NM_003743.5(NCOA1):c.1184C>G (p.Ser395Cys)

Gene: NCOA1 (nuclear receptor coactivator 1; plus strand). Cytogenetic location: 2p23.3.
Variant type: single nucleotide variant.
Coding change: c.1184C>G on transcript NM_003743.5 (MANE Select); coding-DNA position 1184, C replaced by G.
Protein change: p.Ser395Cys; replaces serine 395 with cysteine.
Molecular consequence: missense variant.
Genome position (GRCh38, 1-based): chr2:24,706,654, C>G. VCF-style: chr2-24706654-C-G. GRCh37 (hg19) VCF-style: chr2-24929523-C-G.
Other names: c.1184C>G, p.Ser395Cys (NM_001362950.1, NM_001362952.1, NM_001362954.1 and 3 more transcripts); short protein forms S395C.
Identifiers: ClinVar variation 3358673 (VCV003358673.3).